The following is an entry in ClinVar:

ClinVar aggregate classification (germline): Likely benign. Review status: criteria provided, single submitter (1 of 4 stars). 2 submissions from 2 submitters: Likely benign (1). 1 of the submissions does not count toward it. Last evaluated 2025-12-24.

Conditions:
IFNAR1-related disorder. Also called: IFNAR1-related condition.

Submissions (2):

Labcorp Genetics (formerly Invitae), Labcorp
Classification: Likely benign. Last evaluated: 2025-12-24. Review status: criteria provided, single submitter. Criteria: Invitae Variant Classification Sherloc (09022015). Collection method: clinical testing. Allele origin: germline.

PreventionGenetics, part of Exact Sciences
Classification: Likely benign for IFNAR1-related condition. Last evaluated: 2024-01-29. Review status: no assertion criteria provided. Collection method: clinical testing. Allele origin: germline. Not counted in ClinVar's aggregate classification.
Comment: This variant is classified as likely benign based on ACMG/AMP sequence variant interpretation guidelines (Richards et al. 2015 PMID: 25741868, with internal and published modifications).

NM_000629.3(IFNAR1):c.1437_1439dup (p.Asp479dup)

Gene: IFNAR1 (interferon alpha and beta receptor subunit 1; plus strand). Cytogenetic location: 21q22.11.
Variant type: Duplication.
Coding change: c.1437_1439dup on transcript NM_000629.3 (MANE Select); coding-DNA positions 1437 to 1439, 3 bases duplicated (TGA; older notation c.1437_1439dupTGA).
Protein change: p.Asp479dup; duplicates aspartic acid 479.
Molecular consequence: inframe insertion. On other transcripts: intron variant (1).
Genome position (GRCh38, 1-based): chr21:33,353,780-33,353,782, TGA duplicated; duplicating any 3 consecutive bases within chr21:33,353,778-33,353,782 gives the same sequence; the c. name uses the placement nearest the transcript's 3' end. VCF-style (leftmost placement, unchanged base first): chr21-33353777-A-AGAT. GRCh37 (hg19) VCF-style: chr21-34726083-A-AGAT.
Other names: c.1437_1439dupTGA (NM_000629.2); c.1437_1439dup, p.Asp479dup (NM_001384498.1, NM_001384503.1); c.675_677dup, p.Asp225dup (NM_001384500.1); c.1422_1424dup, p.Asp474dup (NM_001384501.1); c.975_977dup, p.Asp325dup (NM_001384502.1); c.1230_1232dup, p.Asp410dup (NM_001384504.1); c.1294+872_1294+874dup (NM_001384499.1).
Identifiers: ClinVar variation 1623802 (VCV001623802.10), dbSNP rs564430745, ClinGen allele CA10006755.